The following is an entry in ClinVar:

ClinVar aggregate classification (germline): Uncertain significance. Review status: criteria provided, multiple submitters, no conflicts (2 of 4 stars). 2 submissions from 2 submitters: Uncertain significance (2). Last evaluated 2025-09-03.

Conditions:
Inborn genetic diseases. Identifiers: MedGen C0950123, MeSH D030342.
Xeroderma pigmentosum, group F (XPF). Also called: ERCC4-Related Xeroderma Pigmentosum; XERODERMA PIGMENTOSUM, TYPE F; Xeroderma pigmentosum, type 6; XERODERMA PIGMENTOSUM, COMPLEMENTATION GROUP F; XERODERMA PIGMENTOSUM VI; XP, GROUP F. Identifiers: MedGen C0268140, MONDO:0010215, OMIM 278760.
Cockayne syndrome. Identifiers: Orphanet 191, MedGen C0009207, MONDO:0016006.
Fanconi anemia complementation group Q. Identifiers: Orphanet 84, MedGen C3808988, MONDO:0014108, OMIM 615272.

gnomAD v4.1: 12 of 1,613,422 alleles (0.00074%); highest among the groups gnomAD compares: Non-Finnish European, 0.00093%; no homozygotes.

Submissions (2):

Labcorp Genetics (formerly Invitae), Labcorp
Classification: Uncertain significance for Fanconi anemia complementation group Q; Xeroderma pigmentosum, group F; Cockayne syndrome. Last evaluated: 2025-09-03. Review status: criteria provided, single submitter. Criteria: Invitae Variant Classification Sherloc (09022015). Collection method: clinical testing. Allele origin: germline.
Comment: This sequence change replaces aspartic acid, which is acidic and polar, with tyrosine, which is neutral and polar, at codon 664 of the ERCC4 protein (p.Asp664Tyr). This variant is present in population databases (no rsID available, gnomAD 0.0009%). This variant has not been reported in the literature in individuals affected with ERCC4-related conditions. Invitae Evidence Modeling of protein sequence and biophysical properties (such as structural, functional, and spatial information, amino acid conservation, physicochemical variation, residue mobility, and thermodynamic stability) indicates that this missense variant is not expected to disrupt ERCC4 protein function with a negative predictive value of 80%. In summary, the available evidence is currently insufficient to determine the role of this variant in disease. Therefore, it has been classified as a Variant of Uncertain Significance.

Ambry Genetics
Classification: Uncertain significance for Inborn genetic diseases. Last evaluated: 2025-06-17. Review status: criteria provided, single submitter. Criteria: Ambry Variant Classification Scheme 2023. Collection method: clinical testing. Allele origin: germline.

NM_005236.3(ERCC4):c.1990G>T (p.Asp664Tyr)

Gene: ERCC4 (ERCC excision repair 4, endonuclease catalytic subunit; plus strand). Cytogenetic location: 16p13.12.
Variant type: single nucleotide variant.
Coding change: c.1990G>T on transcript NM_005236.3 (MANE Select); coding-DNA position 1990, G replaced by T.
Protein change: p.Asp664Tyr; replaces aspartic acid 664 with tyrosine.
Molecular consequence: missense variant.
Genome position (GRCh38, 1-based): chr16:13,944,808, G>T. VCF-style: chr16-13944808-G-T. GRCh37 (hg19) VCF-style: chr16-14038665-G-T.
Other names: short protein forms D664Y.
Identifiers: ClinVar variation 4250510 (VCV004250510.2).